The following is an entry in ClinVar:

ClinVar aggregate classification (germline): Uncertain significance (1 of 4 stars; one submission).

Conditions:
Cardiovascular phenotype. Identifiers: MedGen CN230736.

Submission:

Ambry Genetics
Classification: Uncertain significance for Cardiovascular phenotype. Last evaluated: 2025-09-26. Review status: criteria provided, single submitter. Criteria: Ambry Variant Classification Scheme 2023. Collection method: clinical testing. Allele origin: germline.
Comment: The p.E541G variant (also known as c.1622A>G), located in coding exon 14 of the PTPN11 gene, results from an A to G substitution at nucleotide position 1622. The glutamic acid at codon 541 is replaced by glycine, an amino acid with similar properties. This amino acid position is conserved. In addition, the in silico prediction for this alteration is inconclusive. Based on the available evidence, the clinical significance of this variant remains unclear.

NM_002834.5(PTPN11):c.1622A>G (p.Glu541Gly)

Gene: PTPN11 (protein tyrosine phosphatase non-receptor type 11; plus strand). Cytogenetic location: 12q24.13.
Variant type: single nucleotide variant.
Coding change: c.1622A>G on transcript NM_002834.5 (MANE Select); coding-DNA position 1622, A replaced by G.
Protein change: p.Glu541Gly; replaces glutamic acid 541 with glycine.
Molecular consequence: missense variant.
Genome position (GRCh38, 1-based): chr12:112,502,166, A>G. VCF-style: chr12-112502166-A-G. GRCh37 (hg19) VCF-style: chr12-112939970-A-G.
Other names: c.1634A>G, p.Glu545Gly (NM_001330437.2); c.1619A>G, p.Glu540Gly (NM_001374625.1); short protein forms E540G, E541G, E545G.
Identifiers: ClinVar variation 4614765 (VCV004614765.1).